The following is an entry in ClinVar:

NM_000435.3(NOTCH3):c.5790T>C (p.Ala1930=)

Gene: NOTCH3 (notch receptor 3; minus strand). Cytogenetic location: 19p13.12.
Variant type: single nucleotide variant.
Coding change: c.5790T>C on transcript NM_000435.3 (MANE Select); coding-DNA position 5790, T replaced by C.
Protein change: p.Ala1930=; no amino-acid change (alanine 1930 retained).
Molecular consequence: synonymous variant.
Genome position (GRCh38, 1-based): chr19:15,165,393, A>G on the plus strand (T>C on the coding strand, the complement: NOTCH3 is on the minus strand). VCF-style: chr19-15165393-A-G. GRCh37 (hg19) VCF-style: chr19-15276204-A-G.
Identifiers: ClinVar variation 741039 (VCV000741039.5), dbSNP rs1425060067, ClinGen allele CA505818550.

ClinVar aggregate classification (germline): Likely benign. Review status: criteria provided, single submitter (1 of 4 stars). 2 submissions from 2 submitters: Likely benign (1). 1 of the submissions does not count toward it. Last evaluated 2018-06-13.

Conditions:
NOTCH3-related disorder. Also called: NOTCH3-related disorders; NOTCH3-related condition.

Allele frequency attached by ClinVar (database versions not stated): gnomAD exomes below 0.00001; TOPMed below 0.00001.
gnomAD v4.1: 2 of 1,608,982 alleles (0.00012%); highest among the groups gnomAD compares: Non-Finnish European, 0.00017%; no homozygotes.

Submissions (2):

Labcorp Genetics (formerly Invitae), Labcorp
Classification: Likely benign. Last evaluated: 2018-06-13. Review status: criteria provided, single submitter. Criteria: Invitae Variant Classification Sherloc (09022015). Collection method: clinical testing. Allele origin: germline.

PreventionGenetics, part of Exact Sciences
Classification: Likely benign for NOTCH3-related condition. Last evaluated: 2021-03-02. Review status: no assertion criteria provided. Collection method: clinical testing. Allele origin: germline. Not counted in ClinVar's aggregate classification.
Comment: This variant is classified as likely benign based on ACMG/AMP sequence variant interpretation guidelines (Richards et al. 2015 PMID: 25741868, with internal and published modifications).